The following is an entry in ClinVar:

ClinVar aggregate classification (germline): Uncertain significance (1 of 4 stars; one submission).

Conditions:
Cardiovascular phenotype. Identifiers: MedGen CN230736.

Submission:

Ambry Genetics
Classification: Uncertain significance for Cardiovascular phenotype. Last evaluated: 2023-03-30. Review status: criteria provided, single submitter. Criteria: Ambry Variant Classification Scheme 2023. Collection method: clinical testing. Allele origin: germline.
Comment: The c.466_477del12 variant (also known as p.L156_S159del) is located in coding exon 2 of the TCAP gene. This variant results from an in-frame CTGTCCCGCTCC deletion at nucleotide positions 466 to 477. This results in the in-frame deletion of the amino acids at codon 156 to 159. Based on data from gnomAD, this allele has an overall frequency of 0.0008233% (2/242918) total alleles studied. The highest observed frequency was 0.003268% (1/30600) of South Asian alleles. This amino acid region is well conserved in available vertebrate species. In addition, this alteration is predicted to be deleterious by in silico analysis (Choi Y et al. PLoS ONE. 2012; 7(10):e46688). Since supporting evidence is limited at this time, the clinical significance of this alteration remains unclear.

NM_003673.4(TCAP):c.466_477del (p.Leu156_Ser159del)

Gene: TCAP (titin-cap; plus strand). Cytogenetic location: 17q12.
Variant type: Deletion.
Coding change: c.466_477del on transcript NM_003673.4 (MANE Select); coding-DNA positions 466 to 477, 12 bases deleted (CTGTCCCGCTCC).
Protein change: p.Leu156_Ser159del.
Molecular consequence: inframe deletion. On other transcripts: inframe indel (1).
Genome position (GRCh38, 1-based): chr17:39,666,071-39,666,082, CTGTCCCGCTCC deleted; deleting any 12 consecutive bases within chr17:39,666,065-39,666,082 gives the same sequence; the c. name uses the placement nearest the transcript's 3' end. VCF-style (leftmost placement, unchanged base first): chr17-39666064-TCGCTCCCTGTCC-T. GRCh37 (hg19) VCF-style: chr17-37822317-TCGCTCCCTGTCC-T.
Other names: c.466_477del12 (NM_003673.3).
Identifiers: ClinVar variation 2562752 (VCV002562752.2), dbSNP rs771363240, ClinGen allele CA8532914.